The following is an entry in ClinVar:

ClinVar aggregate classification (germline): Uncertain significance (1 of 4 stars; one submission).

Conditions:
Charcot-Marie-Tooth disease, type I (CMT1). Also called: Charcot-Marie-Tooth disease type 1; Charcot-Marie-Tooth, Type 1. Identifiers: Orphanet 65753, MedGen C0751036, MONDO:0019011.

Allele frequency attached by ClinVar (database versions not stated): gnomAD exomes below 0.00001; TOPMed below 0.00001; gnomAD 0.00001.

Submission:

Labcorp Genetics (formerly Invitae), Labcorp
Classification: Uncertain significance for Charcot-Marie-Tooth disease, type I. Last evaluated: 2021-07-03. Review status: criteria provided, single submitter. Criteria: Invitae Variant Classification Sherloc (09022015). Collection method: clinical testing. Allele origin: germline.
Comment: In summary, the available evidence is currently insufficient to determine the role of this variant in disease. Therefore, it has been classified as a Variant of Uncertain Significance. Algorithms developed to predict the effect of missense changes on protein structure and function output the following: SIFT: "Tolerated"; PolyPhen-2: "Not Available"; Align-GVGD: "Class C0". The serine amino acid residue is found in multiple mammalian species, suggesting that this missense change does not adversely affect protein function. These predictions have not been confirmed by published functional studies and their clinical significance is uncertain. This sequence change replaces proline with serine at codon 6 of the MPZ protein (p.Pro6Ser). The proline residue is moderately conserved and there is a moderate physicochemical difference between proline and serine. This variant is not present in population databases (ExAC no frequency). This variant has not been reported in the literature in individuals with MPZ-related conditions.

NM_000530.8(MPZ):c.16C>T (p.Pro6Ser)

Gene: MPZ (myelin protein zero; minus strand). Cytogenetic location: 1q23.3.
Variant type: single nucleotide variant.
Coding change: c.16C>T on transcript NM_000530.8 (MANE Select); coding-DNA position 16, C replaced by T.
Protein change: p.Pro6Ser; replaces proline 6 with serine.
Molecular consequence: missense variant.
Genome position (GRCh38, 1-based): chr1:161,309,890, G>A on the plus strand (C>T on the coding strand, the complement: MPZ is on the minus strand). VCF-style: chr1-161309890-G-A. GRCh37 (hg19) VCF-style: chr1-161279680-G-A.
Other names: c.16C>T, p.Pro6Ser (NM_001315491.2); short protein forms P6S.
Identifiers: ClinVar variation 1364092 (VCV001364092.8), dbSNP rs765575997, ClinGen allele CA31671632.